The following is an entry in ClinVar:

ClinVar aggregate classification (germline): Pathogenic (1 of 4 stars; one submission).

Conditions:
Cholestanol storage disease (CTX). Also called: CEREBRAL CHOLESTERINOSIS; Cerebrotendinous Xanthomatosis; CTX: Cerebrotendinous xanthomatosis. Identifiers: Orphanet 909, MedGen C0238052, MONDO:0008948, OMIM 213700.

Submission:

Myriad Genetics, Inc.
Classification: Pathogenic for Cholestanol storage disease. Last evaluated: 2025-06-26. Review status: criteria provided, single submitter. Criteria: Myriad Autosomal Dominant, Autosomal Recessive and X-Linked Classification Criteria (2023). Collection method: clinical testing. Allele origin: unknown.
Comment: NM_000784.3(CYP27A1):c.516_517delGC(T175Gfs*5) is expected to be pathogenic in the context of cerebrotendinous xanthomatosis. This variant is predicted to lead to an abnormal or absent protein product due to the creation of a premature termination codon in CYP27A1, a gene where loss-of-function variants are known to be pathogenic. Please note: this variant was assessed in the context of healthy population screening.

NM_000784.4(CYP27A1):c.516_517del (p.Thr175fs)

Gene: CYP27A1 (cytochrome P450 family 27 subfamily A member 1; plus strand). Cytogenetic location: 2q35.
Variant type: Microsatellite.
Coding change: c.516_517del on transcript NM_000784.4 (MANE Select); coding-DNA positions 516 to 517, 2 bases deleted (GC; older notation c.516_517delGC).
Protein change: p.Thr175fs; shifts the reading frame from threonine 175.
Molecular consequence: frameshift variant.
Genome position (GRCh38, 1-based): chr2:218,812,291-218,812,292, GC deleted; deleting any 2 consecutive bases within chr2:218,812,289-218,812,292 gives the same sequence; the c. name uses the placement nearest the transcript's 3' end. VCF-style (leftmost placement, unchanged base first): chr2-218812288-AGC-A. GRCh37 (hg19) VCF-style: chr2-219677011-AGC-A.
Other names: short protein forms T175fs.
Identifiers: ClinVar variation 5014649 (VCV005014649.1).